The following is an entry in ClinVar:

NM_144988.4(ALG14):c.332T>C (p.Val111Ala)

Gene: ALG14 (ALG14 UDP-N-acetylglucosaminyltransferase subunit; minus strand). Cytogenetic location: 1p21.3.
Variant type: single nucleotide variant.
Coding change: c.332T>C on transcript NM_144988.4 (MANE Select); coding-DNA position 332, T replaced by C.
Protein change: p.Val111Ala; replaces valine 111 with alanine.
Molecular consequence: missense variant. On other transcripts: synonymous variant (1), non-coding transcript variant (1).
Genome position (GRCh38, 1-based): chr1:95,027,217, A>G on the plus strand (T>C on the coding strand, the complement: ALG14 is on the minus strand). VCF-style: chr1-95027217-A-G. GRCh37 (hg19) VCF-style: chr1-95492773-A-G.
Other names: c.369T>C, p.Gly123= (NM_001305242.2); short protein forms V111A.
Identifiers: ClinVar variation 2208746 (VCV002208746.2), dbSNP rs1673847852, ClinGen allele CA341364136.

ClinVar aggregate classification (germline): Uncertain significance (1 of 4 stars; one submission).

Conditions:
Inborn genetic diseases. Identifiers: MedGen C0950123, MeSH D030342.

Allele frequency attached by ClinVar (database versions not stated): TOPMed below 0.00001.

Submission:

Ambry Genetics
Classification: Uncertain significance for Inborn genetic diseases. Last evaluated: 2021-11-15. Review status: criteria provided, single submitter. Criteria: Ambry Variant Classification Scheme 2023. Collection method: clinical testing. Allele origin: germline.
Comment: The c.332T>C (p.V111A) alteration is located in exon 3 (coding exon 3) of the ALG14 gene. This alteration results from a T to C substitution at nucleotide position 332, causing the valine (V) at amino acid position 111 to be replaced by an alanine (A). This variant was not reported in population-based cohorts in the Genome Aggregation Database (gnomAD). This amino acid position is highly conserved in available vertebrate species. This alteration is predicted to be tolerated by in silico analysis. Based on insufficient or conflicting evidence, the clinical significance of this alteration remains unclear.